The following is an entry in ClinVar:

ClinVar aggregate classification (germline): Uncertain significance. Review status: criteria provided, multiple submitters, no conflicts (2 of 4 stars). 2 submissions from 2 submitters: Uncertain significance (2). Last evaluated 2025-04-11.

Conditions:
Epidermolysis bullosa simplex, Ogna type (EBS5A). Also called: Pidermolysis bullosa simplex 5A, Ogna type; EPIDERMOLYSIS BULLOSA SIMPLEX 5A, OGNA TYPE. Identifiers: Orphanet 79401, MedGen C0432317, MONDO:0007555, OMIM 131950.
Autosomal recessive limb-girdle muscular dystrophy type 2Q (LGMDR17). Also called: MUSCULAR DYSTROPHY, LIMB-GIRDLE, AUTOSOMAL RECESSIVE 17. Identifiers: Orphanet 254361, MedGen C3150989, MONDO:0013390, OMIM 613723.
Epidermolysis bullosa simplex 5C, with pyloric atresia (EBS5C). Also called: PLEC-Related Epidermolysis Bullosa with Pyloric Atresia; Epidermolysis bullosa simplex with pyloric atresia; PLEC1-Related Epidermolysis Bullosa with Pyloric Atresia. Identifiers: Orphanet 158684, MedGen C2677349, MONDO:0012807, OMIM 612138.
Epidermolysis bullosa simplex 5B, with muscular dystrophy (EBS5B). Also called: EPIDERMOLYSIS BULLOSA SIMPLEX AND LIMB-GIRDLE MUSCULAR DYSTROPHY; Epidermolysis bullosa simplex with muscular dystrophy. Identifiers: Orphanet 257, MedGen C2931072, MONDO:0009181, OMIM 226670.
Epidermolysis bullosa simplex with nail dystrophy (EBS5D). Identifiers: MedGen C4225309, MONDO:0014661, OMIM 616487.

Allele frequency attached by ClinVar (database versions not stated): gnomAD 0.00002 and 0.00003; ExAC 0.00005; gnomAD exomes 0.00005 and 0.00006; TOPMed 0.00006.
gnomAD v4.1: 83 of 1,583,102 alleles (0.0052%); highest among the groups gnomAD compares: South Asian, 0.0079%; no homozygotes.

Submissions (2):

Labcorp Genetics (formerly Invitae), Labcorp
Classification: Uncertain significance for Autosomal recessive limb-girdle muscular dystrophy type 2Q; Epidermolysis bullosa simplex, Ogna type; Epidermolysis bullosa simplex with nail dystrophy; Epidermolysis bullosa simplex 5C, with pyloric atresia; Epidermolysis bullosa simplex 5B, with muscular dystrophy. Last evaluated: 2025-04-11. Review status: criteria provided, single submitter. Criteria: Invitae Variant Classification Sherloc (09022015). Collection method: clinical testing. Allele origin: germline.
Comment: This sequence change replaces threonine, which is neutral and polar, with methionine, which is neutral and non-polar, at codon 2394 of the PLEC protein (p.Thr2394Met). This variant is present in population databases (rs782618173, gnomAD 0.02%). This variant has not been reported in the literature in individuals affected with PLEC-related conditions. ClinVar contains an entry for this variant (Variation ID: 565777). An algorithm developed to predict the effect of missense changes on protein structure and function (PolyPhen-2) suggests that this variant is likely to be disruptive. In summary, the available evidence is currently insufficient to determine the role of this variant in disease. Therefore, it has been classified as a Variant of Uncertain Significance.

Eurofins Ntd Llc (ga)
Classification: Uncertain significance. Last evaluated: 2018-06-01. Review status: criteria provided, single submitter. Criteria: EGL ClinVar v180209 classification definitions. Collection method: clinical testing. Allele origin: germline. Observed: 2 variant alleles, 2 heterozygotes.

NM_201384.3(PLEC):c.7100C>T (p.Thr2367Met)

Gene: PLEC (plectin; minus strand). Cytogenetic location: 8q24.3.
Variant type: single nucleotide variant.
Coding change: c.7100C>T on transcript NM_201384.3 (MANE Select); coding-DNA position 7100, C replaced by T.
Protein change: p.Thr2367Met; replaces threonine 2367 with methionine.
Molecular consequence: missense variant.
Genome position (GRCh38, 1-based): chr8:143,922,829, G>A on the plus strand (C>T on the coding strand, the complement: PLEC is on the minus strand). VCF-style: chr8-143922829-G-A. GRCh37 (hg19) VCF-style: chr8-144996997-G-A.
Other names: c.7181C>T, p.Thr2394Met (NM_000445.5); c.7058C>T, p.Thr2353Met (NM_201378.4); c.7034C>T, p.Thr2345Met (NM_201379.3); c.7511C>T, p.Thr2504Met (NM_201380.4); c.7004C>T, p.Thr2335Met (NM_201381.3); c.7100C>T, p.Thr2367Met (NM_201382.4); c.7112C>T, p.Thr2371Met (NM_201383.3); short protein forms T2504M, T2335M, T2367M, T2394M, T2353M, T2371M, T2345M.
Identifiers: ClinVar variation 565777 (VCV000565777.11), dbSNP rs782618173, ClinGen allele CA4925759.
Genomic context (GRCh38, chr8:143,922,829, plus strand): 5'-AGCTTGAGGCGCTCAGCCTCAGCGCTCATCTCCAGCTGCCGCTGCCGCTCGGCCTCCAGC[G>A]TCCGCTGGAAGCCCTGCGTCTCCTCCGCCAGCTGCTGCGCCATCTGCTCCTTGTCCTCCT-3'
Protein context (NP_958786.1, residues 2357-2377): LAEETQGFQR[Thr2367Met]LEAERQRQLE